The following is an entry in ClinVar:

NM_006904.7(PRKDC):c.4390C>G (p.Leu1464Val)

Gene: PRKDC (protein kinase, DNA-activated, catalytic subunit; minus strand). Cytogenetic location: 8q11.21.
Variant type: single nucleotide variant.
Coding change: c.4390C>G on transcript NM_006904.7 (MANE Select); coding-DNA position 4390, C replaced by G.
Protein change: p.Leu1464Val; replaces leucine 1464 with valine.
Molecular consequence: missense variant.
Genome position (GRCh38, 1-based): chr8:47,888,541, G>C on the plus strand (C>G on the coding strand, the complement: PRKDC is on the minus strand). VCF-style: chr8-47888541-G-C. GRCh37 (hg19) VCF-style: chr8-48801102-G-C.
Other names: c.4390C>G, p.Leu1464Val (NM_001081640.2); short protein forms L1464V.
Identifiers: ClinVar variation 1385386 (VCV001385386.5), dbSNP rs1230313108, ClinGen allele CA371145481.

ClinVar aggregate classification (germline): Uncertain significance (1 of 4 stars; one submission).

Conditions:
Severe combined immunodeficiency due to DNA-PKcs deficiency. Also called: IMMUNODEFICIENCY 26 WITH NEUROLOGIC ABNORMALITIES; Immunodeficiency 26 with or without neurologic abnormalities. Identifiers: Orphanet 317425, MedGen C4014833, MONDO:0014423, OMIM 615966.

Allele frequency attached by ClinVar (database versions not stated): gnomAD exomes below 0.00001 and 0.00003.
gnomAD v4.1: 9 of 1,572,570 alleles (0.00057%); highest among the groups gnomAD compares: Admixed American, 0.0037%; no homozygotes.

Submission:

Labcorp Genetics (formerly Invitae), Labcorp
Classification: Uncertain significance for Severe combined immunodeficiency due to DNA-PKcs deficiency. Last evaluated: 2022-03-01. Review status: criteria provided, single submitter. Criteria: Invitae Variant Classification Sherloc (09022015). Collection method: clinical testing. Allele origin: germline.
Comment: This sequence change replaces leucine, which is neutral and non-polar, with valine, which is neutral and non-polar, at codon 1464 of the PRKDC protein (p.Leu1464Val). This variant is present in population databases (no rsID available, gnomAD 0.01%). This variant has not been reported in the literature in individuals affected with PRKDC-related conditions. Experimental studies and prediction algorithms are not available or were not evaluated, and the functional significance of this variant is currently unknown. In summary, the available evidence is currently insufficient to determine the role of this variant in disease. Therefore, it has been classified as a Variant of Uncertain Significance.